The following is an entry in ClinVar:

ClinVar aggregate classification (germline): Conflicting classifications of pathogenicity. Review status: criteria provided, conflicting classifications (1 of 4 stars). 2 submissions from 2 submitters: Uncertain significance (1); Likely benign (1). Last evaluated 2023-07-24.

Conditions:
Neurofibromatosis, type 1 (NF1). Also called: NEUROFIBROMATOSIS, TYPE I, SOMATIC; VON RECKLINGHAUSEN DISEASE; Peripheral type neurofibromatosis; Neurofibromatosis, type I. Identifiers: Orphanet 636, MedGen C0027831, MONDO:0018975, OMIM 162200. Disease mechanism: loss of function.

Submissions (2):

Blueprint Genetics
Classification: Likely benign. Last evaluated: 2023-07-24. Review status: criteria provided, single submitter. Criteria: ACMG Guidelines, 2015. Collection method: clinical testing. Allele origin: germline.

Labcorp Genetics (formerly Invitae), Labcorp
Classification: Uncertain significance for Neurofibromatosis, type 1. Last evaluated: 2021-08-12. Review status: criteria provided, single submitter. Criteria: Invitae Variant Classification Sherloc (09022015). Collection method: clinical testing. Allele origin: germline.
Comment: In summary, the available evidence is currently insufficient to determine the role of this variant in disease. Therefore, it has been classified as a Variant of Uncertain Significance. Nucleotide substitutions within the consensus splice site are a relatively common cause of aberrant splicing (PMID: 17576681, 9536098). Algorithms developed to predict the effect of sequence changes on RNA splicing suggest that this variant is not likely to affect RNA splicing. This variant has not been reported in the literature in individuals affected with NF1-related conditions. This variant is not present in population databases (ExAC no frequency). This sequence change falls in intron 30 of the NF1 gene. It does not directly change the encoded amino acid sequence of the NF1 protein. It affects a nucleotide within the consensus splice site of the intron.

Literature cited by the submitters: PubMed 17576681 (cited by Labcorp Genetics (formerly Invitae), Labcorp); PubMed 9536098 (cited by Labcorp Genetics (formerly Invitae), Labcorp).

NM_001042492.3(NF1):c.4110+4T>G

Gene: NF1 (neurofibromin 1; plus strand). Cytogenetic location: 17q11.2.
Variant type: single nucleotide variant.
Coding change: c.4110+4T>G on transcript NM_001042492.3 (MANE Select); 4 bases into the intron after coding-DNA position 4110, T replaced by G.
Molecular consequence: intron variant.
Genome position (GRCh38, 1-based): chr17:31,249,123, T>G. VCF-style: chr17-31249123-T-G. GRCh37 (hg19) VCF-style: chr17-29576141-T-G.
Other names: c.4110+4T>G (NM_000267.4).
Identifiers: ClinVar variation 1502520 (VCV001502520.7), dbSNP rs587781700, ClinGen allele CA2573153314.